The following is an entry in ClinVar:

ClinVar aggregate classification (germline): Pathogenic (1 of 4 stars; one submission).

Conditions:
Zellweger spectrum disorders (ZS). Also called: Zellweger Spectrum Disorder; Zellweger Spectrum; Zellweger syndrome; Zellweger Spectrum Disorder (ZSD). Identifiers: Orphanet 912, MedGen C0043459, MONDO:0019609.

Submission:

Labcorp Genetics (formerly Invitae), Labcorp
Classification: Pathogenic for Zellweger spectrum disorders. Last evaluated: 2022-10-06. Review status: criteria provided, single submitter. Criteria: Invitae Variant Classification Sherloc (09022015). Collection method: clinical testing. Allele origin: germline.
Comment: This variant is a gross deletion of the genomic region encompassing exon(s) 6 of the PEX1 gene. This variant would be expected to be in-frame, preserving the integrity of the reading frame. A similar copy number variant has been observed in individuals with Zellweger syndrome (PMID: 11439091, 30561787). For these reasons, this variant has been classified as Pathogenic.

Literature cited by the submitters: PubMed 11439091; PubMed 30561787.

NC_000007.13:g.(?_92143152)_(92143291_?)del

Gene: PEX1 (peroxisomal biogenesis factor 1; minus strand). Cytogenetic location: 7q21.2.
Variant type: Deletion.
Identifiers: ClinVar variation 2423139 (VCV002423139.3).